The following is an entry in ClinVar:

NM_018706.7(DHTKD1):c.2235T>G (p.Tyr745Ter)

Gene: DHTKD1 (dehydrogenase E1 and transketolase domain containing 1; plus strand). Cytogenetic location: 10p14.
Variant type: single nucleotide variant.
Coding change: c.2235T>G on transcript NM_018706.7 (MANE Select); coding-DNA position 2235, T replaced by G.
Protein change: p.Tyr745Ter; replaces tyrosine 745 with a stop codon.
Molecular consequence: nonsense.
Genome position (GRCh38, 1-based): chr10:12,112,980, T>G. VCF-style: chr10-12112980-T-G. GRCh37 (hg19) VCF-style: chr10-12154979-T-G.
Other names: short protein forms Y745*.
Identifiers: ClinVar variation 2506034 (VCV002506034.1), dbSNP rs2491513673, ClinGen allele CA376013512.

ClinVar aggregate classification (germline): Pathogenic (1 of 4 stars; one submission).

Conditions:
2-aminoadipic 2-oxoadipic aciduria (AAKAD). Also called: ALPHA-AMINOADIPIC AND ALPHA-KETOADIPIC ACIDURIA; Aminoadipic aciduria. Identifiers: Orphanet 79154, MedGen C1859817, MONDO:0008774, OMIM 204750.

Submission:

Women's Health and Genetics/Laboratory Corporation of America, LabCorp
Classification: Pathogenic for 2-aminoadipic 2-oxoadipic aciduria. Last evaluated: 2023-05-09. Review status: criteria provided, single submitter. Criteria: LabCorp Variant Classification Summary - May 2015. Collection method: clinical testing. Allele origin: germline.
Comment: Variant summary: DHTKD1 c.2235T>G (p.Tyr745X) results in a premature termination codon, predicted to cause a truncation of the encoded protein or absence of the protein due to nonsense mediated decay, which are commonly known mechanisms for disease. The variant was absent in 251262 control chromosomes (gnomAD). To our knowledge, no occurrence of c.2235T>G in individuals affected with 2-Aminoadipic 2-Oxoadipic Aciduria and no experimental evidence demonstrating its impact on protein function have been reported. No clinical diagnostic laboratories have submitted clinical-significance assessments for this variant to ClinVar after 2014. Based on the evidence outlined above, the variant was classified as pathogenic.